The following is an entry in ClinVar:

NM_000553.6(WRN):c.549C>G (p.His183Gln)

Gene: WRN (WRN RecQ like helicase; plus strand). Cytogenetic location: 8p12.
Variant type: single nucleotide variant.
Coding change: c.549C>G on transcript NM_000553.6 (MANE Select); coding-DNA position 549, C replaced by G.
Protein change: p.His183Gln; replaces histidine 183 with glutamine.
Molecular consequence: missense variant.
Genome position (GRCh38, 1-based): chr8:31,067,077, C>G. VCF-style: chr8-31067077-C-G. GRCh37 (hg19) VCF-style: chr8-30924593-C-G.
Other names: short protein forms H183Q.
Identifiers: ClinVar variation 1425760 (VCV001425760.6), dbSNP rs772637078, ClinGen allele CA370916006.
Genomic context (GRCh38, chr8:31,067,077, plus strand): 5'-TTTTCATCATTTCTAGCTGAAATGCACAGAGACCTGGAGCCTTAACAGTCTGGTTAAACA[C>G]CTCTTAGGTAAACAGCTCCTGAAAGACAAGTCTATCCGCTGTAGCAATTGGAGTAAATTT-3'
Protein context (NP_000544.2, residues 173-193): ETWSLNSLVK[His183Gln]LLGKQLLKDK

ClinVar aggregate classification (germline): Uncertain significance (1 of 4 stars; one submission).

Conditions:
Werner syndrome (WRN). Identifiers: Orphanet 902, MedGen C0043119, MONDO:0010196, OMIM 277700.

Submission:

Labcorp Genetics (formerly Invitae), Labcorp
Classification: Uncertain significance for Werner syndrome. Last evaluated: 2023-07-16. Review status: criteria provided, single submitter. Criteria: Invitae Variant Classification Sherloc (09022015). Collection method: clinical testing. Allele origin: germline.
Comment: In summary, the available evidence is currently insufficient to determine the role of this variant in disease. Therefore, it has been classified as a Variant of Uncertain Significance. An algorithm developed to predict the effect of missense changes on protein structure and function (PolyPhen-2) suggests that this variant is likely to be disruptive. ClinVar contains an entry for this variant (Variation ID: 1425760). This variant has not been reported in the literature in individuals affected with WRN-related conditions. This variant is not present in population databases (gnomAD no frequency). This sequence change replaces histidine, which is basic and polar, with glutamine, which is neutral and polar, at codon 183 of the WRN protein (p.His183Gln).